The following is an entry in ClinVar:

NM_153816.6(SNX14):c.2653+1G>A

Gene: SNX14 (sorting nexin 14; minus strand). Cytogenetic location: 6q14.3.
Variant type: single nucleotide variant.
Coding change: c.2653+1G>A on transcript NM_153816.6 (MANE Select); the canonical splice donor site of the intron after coding-DNA position 2653, G replaced by A.
Molecular consequence: splice donor variant.
Genome position (GRCh38, 1-based): chr6:85,513,799, C>T on the plus strand (G>A on the coding strand, the complement: SNX14 is on the minus strand). VCF-style: chr6-85513799-C-T. GRCh37 (hg19) VCF-style: chr6-86223517-C-T.
Other names: c.2362+1G>A (NM_001350543.2); c.2494+1G>A (NM_001350539.2, NM_020468.6); c.2365+1G>A (NM_001350542.2); c.2209+1G>A (NM_001350546.2, NM_001350545.2); c.1603+1G>A (NM_001350547.2); c.2353+1G>A (NM_001350544.2); c.1471+1G>A (NM_001350553.2); c.1498+1G>A (NM_001350549.2, NM_001350548.2, NM_001350551.2 and 2 more transcripts); and 10 more.
Identifiers: ClinVar variation 4293814 (VCV004293814.1).

ClinVar aggregate classification (germline): Likely pathogenic (1 of 4 stars; one submission).

Conditions:
Autosomal recessive spinocerebellar ataxia 20. Identifiers: Orphanet 397709, MedGen C5190595, MONDO:0014601, OMIM 616354.

Submission:

3billion
Classification: Likely pathogenic for Autosomal recessive spinocerebellar ataxia 20. Last evaluated: 2024-11-15. Review status: criteria provided, single submitter. Criteria: ACMG Guidelines, 2015. Collection method: clinical testing. Allele origin: germline. Affected: yes.
Comment: The variant is not observed in the gnomAD v4.1.0 dataset. Predicted Consequence/Location: Canonical splice site: predicted to alter splicing and result in a loss or disruption of normal protein function. Multiple pathogenic loss-of-function variants are reported downstream of the variant. Therefore, this variant is classified as Likely pathogenic according to the recommendation of ACMG/AMP guideline.